The following is an entry in ClinVar:

NM_000051.4(ATM):c.4493_4494insTTTTTTTTTTTTTTTTTTNNNNNNNNNNCTAGTGAGATGAACCCGGTACCTCAGATGGAAATGCAGAAATCACCGTCTTCTGCGTCGCTCACGCTGGGAGCTGTAGACCGGAGCTGTTCCTATTCGGCCATCTTGGCTCCTCCCTTCTGTTGTGACTTATT (p.Leu1498delinsPhePhePhePhePhePheXaaXaaXaaXaaLeuValArgTer)

Gene: ATM (ATM serine/threonine kinase; plus strand). Cytogenetic location: 11q22.3.
Variant type: Microsatellite.
Coding change: c.4493_4494insTTTTTTTTTTTTTTTTTTNNNNNNNNNNCTAGTGAGATGAACCCGGTACCTCAGATGGAAATGCAGAAATCACCGTCTTCTGCGTCGCTCACGCTGGGAGCTGTAGACCGGAGCTGTTCCTATTCGGCCATCTTGGCTCCTCCCTTCTGTTGTGACTTATT on transcript NM_000051.4 (MANE Select); coding-DNA positions 4493 to 4494, TTTTTTTTTTTTTTTTTTNNNNNNNNNNCTAGTGAGATGAACCCGGTACCTCAGATGGAAATGCAGAAATCACCGTCTTCTGCGTCGCTCACGCTGGGAGCTGTAGACCGGAGCTGTTCCTATTCGGCCATCTTGGCTCCTCCCTTCTGTTGTGACTTATT inserted.
Protein change: p.Leu1498delinsPhePhePhePhePhePheXaaXaaXaaXaaLeuValArgTer.
Molecular consequence: nonsense.
Genome position: GRCh38: chr11:108,292,662-108,292,675. GRCh37 (hg19): chr11:108,163,389-108,163,402.
Other names: c.4493_4494insTTTTTTTTTTTTTTTTTTNNNNNNNNNNCTAGTGAGATGAACCCGGTACCTCAGATGGAAATGCAGAAATCACCGTCTTCTGCGTCGCTCACGCTGGGAGCTGTAGACCGGAGCTGTTCCTATTCGGCCATCTTGGCTCCTCCCTTCTGTTGTGACTTATT, p.Leu1498delinsPhePhePhePhePhePheXaaXaaXaaXaaLeuValArgTer (NM_001351834.2).
Identifiers: ClinVar variation 1071617 (VCV001071617.7).

ClinVar aggregate classification (germline): Pathogenic (1 of 4 stars; one submission).

Conditions:
Ataxia-telangiectasia syndrome (AT). Also called: LOUIS-BAR SYNDROME; Ataxia-telangiectasia, complementation group D; AT, COMPLEMENTATION GROUP C; Cerebello-oculocutaneous telangiectasia; Immunodeficiency with ataxia telangiectasia; ATAXIA-TELANGIECTASIA, COMPLEMENTATION GROUP A. Identifiers: Orphanet 100, MedGen C0004135, MONDO:0008840, OMIM 208900.

Submission:

Labcorp Genetics (formerly Invitae), Labcorp
Classification: Pathogenic for Ataxia-telangiectasia syndrome. Last evaluated: 2025-02-12. Review status: criteria provided, single submitter. Criteria: Invitae Variant Classification Sherloc (09022015). Collection method: clinical testing. Allele origin: germline.
Comment: This sequence change inserts a large fragment of DNA, likely a transposable element, in exon 30 of the ATM gene (c.4493_4494ins?), causing a frameshift at codon 1498 (p.Leu1498fs). The exact size and sequence of the insertion cannot be determined by the current assay. However, the insertion is expected to result in an absent or disrupted protein product. This variant is not present in population databases (gnomAD no frequency). This variant has not been reported in the literature in individuals affected with ATM-related conditions. Retrotransposon insertions including LINE1 (L1), Alu, and SVA (SINE-VNTR-Alu) have been reported to be disease-causing through disruption of either a coding region or splice site (PMID: 19763152, 20307669, 22406018) and loss-of-function variants in ATM are known to be pathogenic (PMID: 23807571, 25614872). For these reasons, this variant has been classified as Pathogenic.

Literature cited by the submitters: PubMed 19763152; PubMed 20307669; PubMed 22406018; PubMed 23807571; PubMed 25614872.